The following is an entry in ClinVar:

ClinVar aggregate classification (germline): Likely benign (1 of 4 stars; one submission).

Submission:

CeGaT Center for Human Genetics Tuebingen
Classification: Likely benign. Last evaluated: 2025-10-01. Review status: criteria provided, single submitter. Criteria: CeGaT Center For Human Genetics Tuebingen Variant Classification Criteria Version 2. Collection method: clinical testing. Allele origin: germline. Affected: yes. Observed: 1 variant allele.
Comment: TRIM49: PM2:Supporting, BP4, BP7

NM_020358.2(TRIM49):c.81C>G (p.Thr27=)

Gene: TRIM49 (tripartite motif containing 49; minus strand). Cytogenetic location: 11q14.3.
Variant type: single nucleotide variant.
Coding change: c.81C>G on transcript NM_020358.2 (MANE Select); coding-DNA position 81, C replaced by G.
Protein change: p.Thr27=; no amino-acid change (threonine 27 retained).
Molecular consequence: synonymous variant.
Genome position (GRCh38, 1-based): chr11:89,804,389, G>C on the plus strand (C>G on the coding strand, the complement: TRIM49 is on the minus strand). VCF-style: chr11-89804389-G-C. GRCh37 (hg19) VCF-style: chr11-89537557-G-C.
Identifiers: ClinVar variation 4535203 (VCV004535203.6).
Genomic context (GRCh38, chr11:89,804,389, plus strand): 5'-TGGGATGTCTTGCCAGTTGAGGTAGAAACAAGGCCTGCAAAAGCTGTGCCCACAGTCTAT[G>C]GTGACCGGGTCTATGAAGTAGTTCATGCACAGGGGGCAGATGAGTTCCCCCTGAAAGACC-3'
Protein context (NP_065091.1, residues 17-37): LCMNYFIDPV[Thr27=]IDCGHSFCRP